The following is an entry in ClinVar:

ClinVar aggregate classification (germline): Uncertain significance (1 of 4 stars; one submission).

Conditions:
Developmental and epileptic encephalopathy, 8 (DEE8). Also called: HYPEREKPLEXIA AND EPILEPSY. Identifiers: Orphanet 163985, Orphanet 2076, MedGen C1845102, MONDO:0010375, OMIM 300607.

Allele frequency attached by ClinVar (database versions not stated): gnomAD exomes below 0.00001 and 0.00001; ExAC 0.00001.
gnomAD v4.1: 3 of 1,211,188 alleles (0.00025%); highest among the groups gnomAD compares: Non-Finnish European, 0.00022%; no homozygotes.

Submission:

Labcorp Genetics (formerly Invitae), Labcorp
Classification: Uncertain significance for Developmental and epileptic encephalopathy, 8. Last evaluated: 2020-08-10. Review status: criteria provided, single submitter. Criteria: Invitae Variant Classification Sherloc (09022015). Collection method: clinical testing. Allele origin: germline.
Comment: This variant is present in population databases (rs782145415, ExAC 0.002%). This sequence change replaces lysine with arginine at codon 135 of the ARHGEF9 protein (p.Lys135Arg). The lysine residue is highly conserved and there is a small physicochemical difference between lysine and arginine. This variant has not been reported in the literature in individuals with ARHGEF9-related conditions. In summary, the available evidence is currently insufficient to determine the role of this variant in disease. Therefore, it has been classified as a Variant of Uncertain Significance. Algorithms developed to predict the effect of missense changes on protein structure and function are either unavailable or do not agree on the potential impact of this missense change (SIFT: "Deleterious"; PolyPhen-2: "Benign"; Align-GVGD: "Class C25").

NM_001353921.2(ARHGEF9):c.425A>G (p.Lys142Arg)

Gene: ARHGEF9 (Cdc42 guanine nucleotide exchange factor 9; minus strand). Cytogenetic location: Xq11.1.
Variant type: single nucleotide variant.
Coding change: c.425A>G on transcript NM_001353921.2 (MANE Select); coding-DNA position 425, A replaced by G.
Protein change: p.Lys142Arg; replaces lysine 142 with arginine.
Molecular consequence: missense variant. On other transcripts: 5 prime UTR variant (1).
Genome position (GRCh38, 1-based): chrX:63,697,282, T>C on the plus strand (A>G on the coding strand, the complement: ARHGEF9 is on the minus strand). VCF-style: chrX-63697282-T-C. GRCh37 (hg19) VCF-style: chrX-62917162-T-C.
Other names: c.245A>G, p.Lys82Arg (NM_001173479.2); c.98A>G, p.Lys33Arg (NM_001173480.2, NM_001369042.1); c.341A>G, p.Lys114Arg (NM_001330495.2, NM_001353927.2, NM_001369033.1 and 8 more transcripts); c.425A>G, p.Lys142Arg (NM_001353922.2); c.443A>G, p.Lys148Arg (NM_001353923.1); c.224A>G, p.Lys75Arg (NM_001353924.2, NM_001353926.2, NM_001369039.1 and 1 more transcripts); c.404A>G, p.Lys135Arg (NM_001353928.2, NM_001369030.1, NM_001369031.1 and 2 more transcripts); c.-11A>G (NM_001369045.1); short protein forms K114R, K135R, K142R, K148R, K33R, K75R, K82R.
Identifiers: ClinVar variation 1051892 (VCV001051892.8), dbSNP rs782145415, ClinGen allele CA10431941.
Genomic context (GRCh38, chrX:63,697,282, plus strand): 5'-ATATCTTCAATGTTCCCAAAGATTACCTTCAGTTGCTCGTCACTGAACATGTCCCTTCTC[T>C]TCCGGCACTGCTTCAGATAGCCCTGTAGACAAAGAAAAAGCCTAGGCTGAGGAAGTCCCT-3'
Protein context (NP_001340850.1, residues 132-152): ICEGYLKQCR[Lys142Arg]RRDMFSDEQL